The following is an entry in ClinVar:

ClinVar aggregate classification (germline): Uncertain significance (1 of 4 stars; one submission).

Conditions:
Cardiovascular phenotype. Identifiers: MedGen CN230736.

gnomAD v4.1: 5 of 1,614,178 alleles (0.00031%); highest among the groups gnomAD compares: Non-Finnish European, 0.00042%; no homozygotes.

Submission:

Ambry Genetics
Classification: Uncertain significance for Cardiovascular phenotype. Last evaluated: 2024-03-22. Review status: criteria provided, single submitter. Criteria: Ambry Variant Classification Scheme 2023. Collection method: clinical testing. Allele origin: germline.
Comment: The p.S484T variant (also known as c.1451G>C), located in coding exon 10 of the ABCG5 gene, results from a G to C substitution at nucleotide position 1451. The serine at codon 484 is replaced by threonine, an amino acid with similar properties. This amino acid position is conserved. In addition, this alteration is predicted to be tolerated by in silico analysis. Based on the available evidence, the clinical significance of this alteration remains unclear.

NM_022436.3(ABCG5):c.1451G>C (p.Ser484Thr)

Genes: ABCG5 (ATP binding cassette subfamily G member 5; minus strand), DYNC2LI1 (dynein cytoplasmic 2 light intermediate chain 1; plus strand). Cytogenetic location: 2p21.
Variant type: single nucleotide variant.
Coding change: c.1451G>C on transcript NM_022436.3 (MANE Select); coding-DNA position 1451, G replaced by C.
Protein change: p.Ser484Thr; replaces serine 484 with threonine.
Molecular consequence: missense variant. On other transcripts: intron variant (2).
Genome position (GRCh38, 1-based): chr2:43,822,809, C>G on the plus strand (G>C on the coding strand, the complement: ABCG5 is on the minus strand). VCF-style: chr2-43822809-C-G. GRCh37 (hg19) VCF-style: chr2-44049948-C-G.
Other names: c.*16-4577C>G (NM_001348913.2, NM_001348912.2); short protein forms S484T.
Identifiers: ClinVar variation 3309405 (VCV003309405.1).